The following is an entry in ClinVar:

NM_006846.4(SPINK5):c.1659C>T (p.Val553=)

Gene: SPINK5 (serine peptidase inhibitor Kazal type 5; plus strand). Cytogenetic location: 5q32.
Variant type: single nucleotide variant.
Coding change: c.1659C>T on transcript NM_006846.4 (MANE Select); coding-DNA position 1659, C replaced by T.
Protein change: p.Val553=; no amino-acid change (valine 553 retained).
Molecular consequence: synonymous variant.
Genome position (GRCh38, 1-based): chr5:148,108,804, C>T. VCF-style: chr5-148108804-C-T. GRCh37 (hg19) VCF-style: chr5-147488367-C-T.
Other names: p.Val553=; c.1659C>T, p.Val553= (NM_001127698.2, NM_001127699.2).
Identifiers: ClinVar variation 194856 (VCV000194856.28), dbSNP rs2303071, ClinGen allele CA201389.

ClinVar aggregate classification (germline): Benign/Likely benign. Review status: criteria provided, multiple submitters, no conflicts (2 of 4 stars). 11 submissions from 11 submitters: Benign (10); Likely benign (1). Last evaluated 2026-02-04.

Conditions:
Ichthyosis linearis circumflexa. Identifiers: MedGen C0265962, MONDO:0043106, HP:0025810.
Netherton syndrome (NETH). Also called: NETHERTON DISEASE; ERYTHRODERMA, ICHTHYOSIFORM, WITH HYPOTRICHOSIS AND HYPER-IgE; COMEL-NETHERTON SYNDROME. Identifiers: Orphanet 634, MedGen C5574950, MONDO:0009735, OMIM 256500.

Allele frequency attached by ClinVar (database versions not stated): ExAC 0.55268; gnomAD exomes 0.55864; gnomAD 0.58781; ESP Exome Variant Server 0.59508; 1000 Genomes Project 0.60204; 1000 Genomes Project 30x 0.60962; TOPMed 0.61694.
gnomAD v4.1: 864,579 of 1,610,638 alleles (54%); highest among the groups gnomAD compares: African/African-American, 76%; 236,252 homozygotes.

Submissions (11):

Labcorp Genetics (formerly Invitae), Labcorp
Classification: Benign for Ichthyosis linearis circumflexa. Last evaluated: 2026-02-04. Review status: criteria provided, single submitter. Criteria: Invitae Variant Classification Sherloc (09022015). Collection method: clinical testing. Allele origin: germline.

Women's Health and Genetics/Laboratory Corporation of America, LabCorp
Classification: Benign. Last evaluated: 2026-01-08. Review status: criteria provided, single submitter. Criteria: LabCorp Variant Classification Summary - May 2015. Collection method: clinical testing. Allele origin: germline.

Blueprint Genetics
Classification: Likely benign. Last evaluated: 2024-11-26. Review status: criteria provided, single submitter. Criteria: ACMG Guidelines, 2015. Collection method: clinical testing. Allele origin: germline.

Unidad de Genómica Garrahan, Hospital de Pediatría Garrahan
Classification: Benign. Last evaluated: 2024-01-24. Review status: criteria provided, single submitter. Criteria: ACMG Guidelines, 2015. Collection method: clinical testing. Allele origin: germline. Affected: no. Observed: 78 variant alleles.
Comment: This variant is classified as Benign based on local population frequency. This variant was detected in 89% of patients studied by a panel of primary immunodeficiencies. Number of patients: 78. Only high quality variants are reported.

Genome-Nilou Lab
Classification: Benign for Netherton syndrome. Last evaluated: 2021-07-15. Review status: criteria provided, single submitter. Criteria: ACMG Guidelines, 2015. Collection method: clinical testing. Allele origin: germline. Affected: no.

Mayo Clinic Laboratories, Mayo Clinic
Classification: Benign. Last evaluated: 2018-07-03. Review status: criteria provided, single submitter. Criteria: ACMG Guidelines, 2015. Collection method: clinical testing. Allele origin: germline. Observed: 118 variant alleles.

Illumina Laboratory Services, Illumina
Classification: Benign for Netherton syndrome. Last evaluated: 2018-01-12. Review status: criteria provided, single submitter. Criteria: ICSL Variant Classification Criteria 13 December 2019. Collection method: clinical testing. Allele origin: germline.
Comment: This variant was observed in the ICSL laboratory as part of a predisposition screen in an ostensibly healthy population. It had not been previously curated by ICSL or reported in the Human Gene Mutation Database (HGMD: prior to June 1st, 2018), and was therefore a candidate for classification through an automated scoring system. Utilizing variant allele frequency, disease prevalence and penetrance estimates, and inheritance mode, an automated score was calculated to assess if this variant is too frequent to cause the disease. Based on the score and internal cut-off values, a variant classified as benign is not then subjected to further curation. The score for this variant resulted in a classification of benign for this disease.

Laboratory for Molecular Medicine, Mass General Brigham Personalized Medicine
Classification: Benign. Last evaluated: 2016-03-28. Review status: criteria provided, single submitter. Criteria: LMM Criteria. Collection method: clinical testing. Allele origin: germline.
Comment: Variant identified in a genome or exome case(s) and assessed due to predicted null impact of the variant or pathogenic assertions in the literature or databases. Disclaimer: This variant has not undergone full assessment. The following are preliminary notes: Frequency

GeneDx
Classification: Benign. Last evaluated: 2015-03-03. Review status: criteria provided, single submitter. Criteria: GeneDx Variant Classification Process June 2021. Collection method: clinical testing. Allele origin: germline. Affected: yes.

Eurofins Ntd Llc (ga)
Classification: Benign. Last evaluated: 2015-01-09. Review status: criteria provided, single submitter. Criteria: EGL Classification Definitions 2015. Collection method: clinical testing. Allele origin: germline. Observed: 3 variant alleles, 3 heterozygotes.

PreventionGenetics, part of Exact Sciences
Classification: Benign. Review status: criteria provided, single submitter. Criteria: ACMG Guidelines, 2015. Collection method: clinical testing. Allele origin: germline.